The following is an entry in ClinVar:

ClinVar aggregate classification (germline): Uncertain significance (1 of 4 stars; one submission).

Allele frequency attached by ClinVar (database versions not stated): gnomAD exomes below 0.00001 and 0.00001; ExAC 0.00002.
gnomAD v4.1: 5 of 1,614,230 alleles (0.00031%); highest among the groups gnomAD compares: South Asian, 0.0055%; no homozygotes.

Submission:

Labcorp Genetics (formerly Invitae), Labcorp
Classification: Uncertain significance. Last evaluated: 2022-08-16. Review status: criteria provided, single submitter. Criteria: Invitae Variant Classification Sherloc (09022015). Collection method: clinical testing. Allele origin: germline.
Comment: This sequence change replaces lysine, which is basic and polar, with asparagine, which is neutral and polar, at codon 1232 of the POLE protein (p.Lys1232Asn). This variant is present in population databases (rs546733374, gnomAD 0.006%). This variant has not been reported in the literature in individuals affected with POLE-related conditions. ClinVar contains an entry for this variant (Variation ID: 645092). Algorithms developed to predict the effect of missense changes on protein structure and function are either unavailable or do not agree on the potential impact of this missense change (SIFT: "Deleterious"; PolyPhen-2: "Benign"; Align-GVGD: "Class C0"). In summary, the available evidence is currently insufficient to determine the role of this variant in disease. Therefore, it has been classified as a Variant of Uncertain Significance.

NM_006231.4(POLE):c.3696G>T (p.Lys1232Asn)

Gene: POLE (DNA polymerase epsilon, catalytic subunit; minus strand). Cytogenetic location: 12q24.33.
Variant type: single nucleotide variant.
Coding change: c.3696G>T on transcript NM_006231.4 (MANE Select); coding-DNA position 3696, G replaced by T.
Protein change: p.Lys1232Asn; replaces lysine 1232 with asparagine.
Molecular consequence: missense variant.
Genome position (GRCh38, 1-based): chr12:132,649,776, C>A on the plus strand (G>T on the coding strand, the complement: POLE is on the minus strand). VCF-style: chr12-132649776-C-A. GRCh37 (hg19) VCF-style: chr12-133226362-C-A.
Other names: short protein forms K1232N.
Identifiers: ClinVar variation 645092 (VCV000645092.10), dbSNP rs546733374, ClinGen allele CA6893137.